The following is an entry in ClinVar:

NC_000006.11:g.(?_162622143)_(163148721_?)dup

Genes: LNCR-SMAL (lncRNA senescence and mitophagy associated regulator of PRKN; plus strand), PACRG (parkin coregulated; plus strand), PRKN (parkin RBR E3 ubiquitin protein ligase; minus strand), LOC126859871 (MED14-independent group 3 enhancer GRCh37_chr6:162621359-162622558; plus strand). Cytogenetic location: 6q26.
Variant type: Duplication.
Identifiers: ClinVar variation 662856 (VCV000662856.2).

ClinVar aggregate classification (germline): Uncertain significance. Review status: criteria provided, single submitter (1 of 4 stars). 2 submissions from 1 submitter: Uncertain significance (1). 1 of the submissions does not count toward it. Last evaluated 2018-08-04.

Conditions:
Autosomal recessive juvenile Parkinson disease 2. Also called: Parkinson disease, juvenile, type 2; PARKINSON DISEASE, JUVENILE, AUTOSOMAL RECESSIVE; Parkinson disease autosomal recessive, early onset; Juvenile parkinsonism; Parkinsonism, early onset, with diurnal fluctuation; PRKN-Related Early-Onset Parkinson Disease. Identifiers: Orphanet 2828, MedGen C1868675, MONDO:0010820, OMIM 600116.

Submissions (2):

Labcorp Genetics (formerly Invitae), Labcorp
Classification: Uncertain significance. Last evaluated: 2018-08-04. Review status: criteria provided, single submitter. Criteria: Invitae Variant Classification Sherloc (09022015). Collection method: clinical testing. Allele origin: germline.
Comment: This variant is a gross duplication of the genomic region encompassing exons 1-4 of the PARK2 gene. The 5' end of this event is unknown as it extends beyond the assayed region for this gene and therefore may encompass additional genes. The 3' boundary is likely confined to intron 4 of the PARK2 gene. The exact location of this variant in the genome is unknown. This variant has not been reported in the literature in individuals with PARK2-related disease. Experimental studies and prediction algorithms are not available for this variant, and the functional significance of the duplicated amino acids is currently unknown. In summary, the available evidence is currently insufficient to determine the role of this variant in disease. Therefore, it has been classified as a Variant of Uncertain Significance.

Labcorp Genetics (formerly Invitae), Labcorp
Classification: Uncertain significance for Parkinson disease 2. Last evaluated: 2018-08-14. Review status: flagged submission. Criteria: Invitae Variant Classification Sherloc (09022015). Collection method: clinical testing. Allele origin: germline. Not counted in ClinVar's aggregate classification.
Comment: the same text as in the submission from Labcorp Genetics (formerly Invitae), Labcorp above.
ClinVar note: Reason: This record appears to be redundant with a more recent record from the same submitter.
ClinVar note: Notes: SCV000961314 appears to be redundant with SCV001532679.